The following is an entry in ClinVar:

NM_144997.7(FLCN):c.780-10T>C

Gene: FLCN (folliculin; minus strand). Cytogenetic location: 17p11.2.
Variant type: single nucleotide variant.
Coding change: c.780-10T>C on transcript NM_144997.7 (MANE Select); 10 bases into the intron before coding-DNA position 780, T replaced by C.
Molecular consequence: intron variant.
Genome position (GRCh38, 1-based): chr17:17,221,638, A>G on the plus strand (T>C on the coding strand, the complement: FLCN is on the minus strand). VCF-style: chr17-17221638-A-G. GRCh37 (hg19) VCF-style: chr17-17124952-A-G.
Other names: c.780-10T>C (NM_001353230.2, NM_144606.7, NM_001353231.2); c.834-10T>C (NM_001353229.2).
Identifiers: ClinVar variation 3581697 (VCV003581697.4).

ClinVar aggregate classification (germline): Conflicting classifications of pathogenicity. Review status: criteria provided, conflicting classifications (1 of 4 stars). 3 submissions from 3 submitters: Uncertain significance (1); Likely benign (2). Last evaluated 2025-06-22.

Conditions:
Colorectal cancer. Also called: Colorectal cancer, somatic; Malignant Colorectal Neoplasm. Identifiers: MedGen C0346629, MONDO:0005575, OMIM 114500.
Birt-Hogg-Dube syndrome 1 (BHD1). Also called: FIBROFOLLICULOMAS WITH TRICHODISCOMAS AND ACROCHORDONS. Identifiers: Orphanet 122, MedGen CN375946, MONDO:0800445, OMIM 135150.
Familial spontaneous pneumothorax (PSP). Identifiers: Orphanet 2903, MedGen C1868193, MONDO:0008259, OMIM 173600.
Nonpapillary renal cell carcinoma. Identifiers: Orphanet 422526, MedGen CN074294, MONDO:0007763, OMIM 144700.
Birt-Hogg-Dube syndrome. Also called: Birt Hogg Dubé syndrome. Identifiers: Orphanet 122, MedGen C0346010, MONDO:0800444.

Submissions (3):

Labcorp Genetics (formerly Invitae), Labcorp
Classification: Likely benign for Birt-Hogg-Dube syndrome. Last evaluated: 2025-06-22. Review status: criteria provided, single submitter. Criteria: Invitae Variant Classification Sherloc (09022015). Collection method: clinical testing. Allele origin: germline.

Myriad Genetics, Inc.
Classification: Likely benign for Birt-Hogg-Dube syndrome 1. Last evaluated: 2024-10-23. Review status: criteria provided, single submitter. Criteria: Myriad Autosomal Dominant, Autosomal Recessive and X-Linked Classification Criteria (2023). Collection method: clinical testing. Allele origin: unknown.
Comment: This variant is considered likely benign. This variant is intronic and is not expected to impact mRNA splicing.

Fulgent Genetics
Classification: Uncertain significance for Colorectal cancer; Birt-Hogg-Dube syndrome 1; Nonpapillary renal cell carcinoma; Familial spontaneous pneumothorax. Last evaluated: 2024-04-13. Review status: criteria provided, single submitter. Criteria: ACMG Guidelines, 2015. Collection method: clinical testing. Allele origin: germline.